The following is an entry in ClinVar:

ClinVar aggregate classification (germline): Uncertain significance (1 of 4 stars; one submission).

Conditions:
Loeys-Dietz syndrome (LDS). Identifiers: Orphanet 60030, MedGen C2697932, MONDO:0018954.

gnomAD v4.1: 1 of 1,614,028 alleles (0.000062%); highest among the groups gnomAD compares: Non-Finnish European, 0.000085%; no homozygotes.

Submission:

All of Us Research Program, National Institutes of Health
Classification: Uncertain significance for Loeys-Dietz syndrome. Last evaluated: 2024-05-14. Review status: criteria provided, single submitter. Criteria: ACMG Guidelines, 2015. Collection method: clinical testing. Allele origin: germline. Inheritance: Autosomal dominant inheritance. Observed: 1 variant allele, 1 heterozygote.
Comment: This missense variant replaces isoleucine with valine at codon 72 of the TGFBR1 protein. Computational prediction tools indicate that this variant has a neutral impact on protein structure and function. To our knowledge, functional studies have not been reported for this variant. This variant has not been reported in individuals affected with TGFBR1-related disorders in the literature. This variant has not been identified in the general population by the Genome Aggregation Database (gnomAD). The available evidence is insufficient to determine the role of this variant in disease conclusively. Therefore, this variant is classified as a Variant of Uncertain Significance.

This study involves interpretation of variants in research participants for the purpose of population health screening. Participant phenotype was not available at the time of variant classification. Additional details can be found in publication PMID: 35346344, PMCID: PMC8962531

NM_004612.4(TGFBR1):c.214A>G (p.Ile72Val)

Gene: TGFBR1 (transforming growth factor beta receptor 1; plus strand). Cytogenetic location: 9q22.33.
Variant type: single nucleotide variant.
Coding change: c.214A>G on transcript NM_004612.4 (MANE Select); coding-DNA position 214, A replaced by G.
Protein change: p.Ile72Val; replaces isoleucine 72 with valine.
Molecular consequence: missense variant. On other transcripts: non-coding transcript variant (4), intron variant (3).
Genome position (GRCh38, 1-based): chr9:99,128,971, A>G. VCF-style: chr9-99128971-A-G. GRCh37 (hg19) VCF-style: chr9-101891253-A-G.
Other names: c.214A>G, p.Ile72Val (NM_001130916.3, NM_001306210.2, NM_001407416.1 and 2 more transcripts); c.7A>G, p.Ile3Val (NM_001407418.1, NM_001407419.1, NM_001407420.1 and 12 more transcripts); c.98-3538A>G (NM_001407436.1); c.98-8888A>G (NM_001407438.1); c.98-13565A>G (NM_001407437.1); short protein forms I3V, I72V.
Identifiers: ClinVar variation 3386036 (VCV003386036.1).